The following is an entry in ClinVar:

NM_015338.6(ASXL1):c.4082A>G (p.His1361Arg)

Gene: ASXL1 (ASXL transcriptional regulator 1; plus strand). Cytogenetic location: 20q11.21.
Variant type: single nucleotide variant.
Coding change: c.4082A>G on transcript NM_015338.6 (MANE Select); coding-DNA position 4082, A replaced by G.
Protein change: p.His1361Arg; replaces histidine 1361 with arginine.
Molecular consequence: missense variant.
Genome position (GRCh38, 1-based): chr20:32,436,794, A>G. VCF-style: chr20-32436794-A-G. GRCh37 (hg19) VCF-style: chr20-31024597-A-G.
Other names: c.3899A>G, p.His1300Arg (NM_001363734.1); short protein forms H1300R, H1361R.
Identifiers: ClinVar variation 1969637 (VCV001969637.6), dbSNP rs1276856584, ClinGen allele CA408564401.

ClinVar aggregate classification (germline): Uncertain significance. Review status: criteria provided, multiple submitters, no conflicts (2 of 4 stars). 2 submissions from 2 submitters: Uncertain significance (2). Last evaluated 2025-08-04.

Conditions:
Inborn genetic diseases. Identifiers: MedGen C0950123, MeSH D030342.

Allele frequency attached by ClinVar (database versions not stated): gnomAD 0.00001.
gnomAD v4.1: 2 of 1,614,060 alleles (0.00012%); highest among the groups gnomAD compares: African/African-American, 0.0013%; no homozygotes.

Submissions (2):

Ambry Genetics
Classification: Uncertain significance for Inborn genetic diseases. Last evaluated: 2025-08-04. Review status: criteria provided, single submitter. Criteria: Ambry Variant Classification Scheme 2023. Collection method: clinical testing. Allele origin: germline.
Comment: The p.H1361R variant (also known as c.4082A>G), located in coding exon 13 of the ASXL1 gene, results from an A to G substitution at nucleotide position 4082. The histidine at codon 1361 is replaced by arginine, an amino acid with highly similar properties. This amino acid position is conserved. In addition, this alteration is predicted to be tolerated by in silico analysis. Based on the available evidence, the clinical significance of this variant remains unclear.

Labcorp Genetics (formerly Invitae), Labcorp
Classification: Uncertain significance. Last evaluated: 2022-09-30. Review status: criteria provided, single submitter. Criteria: Invitae Variant Classification Sherloc (09022015). Collection method: clinical testing. Allele origin: germline.
Comment: This variant is present in population databases (no rsID available, gnomAD 0.01%). This sequence change replaces histidine, which is basic and polar, with arginine, which is basic and polar, at codon 1361 of the ASXL1 protein (p.His1361Arg). In summary, the available evidence is currently insufficient to determine the role of this variant in disease. Therefore, it has been classified as a Variant of Uncertain Significance. Algorithms developed to predict the effect of missense changes on protein structure and function (SIFT, PolyPhen-2, Align-GVGD) all suggest that this variant is likely to be tolerated. This variant has not been reported in the literature in individuals affected with ASXL1-related conditions.